The following is an entry in ClinVar:

NM_004551.3(NDUFS3):c.596G>A (p.Arg199Gln)

Gene: NDUFS3 (NADH:ubiquinone oxidoreductase core subunit S3; plus strand). Cytogenetic location: 11p11.2.
Variant type: single nucleotide variant.
Coding change: c.596G>A on transcript NM_004551.3 (MANE Select); coding-DNA position 596, G replaced by A.
Protein change: p.Arg199Gln; replaces arginine 199 with glutamine.
Molecular consequence: missense variant.
Genome position (GRCh38, 1-based): chr11:47,582,437, G>A. VCF-style: chr11-47582437-G-A. GRCh37 (hg19) VCF-style: chr11-47603989-G-A.
Other names: short protein forms R199Q.
Identifiers: ClinVar variation 523006 (VCV000523006.9), dbSNP rs771783839, ClinGen allele CA5978034.

ClinVar aggregate classification (germline): Uncertain significance. Review status: criteria provided, multiple submitters, no conflicts (2 of 4 stars). 3 submissions from 3 submitters: Uncertain significance (3). Last evaluated 2025-02-12.

Conditions:
Mitochondrial complex I deficiency. Also called: NADH:Q(1) OXIDOREDUCTASE DEFICIENCY. Identifiers: Orphanet 2609, MedGen C1838979, MeSH C537475, MONDO:0100133.
Mitochondrial complex I deficiency, nuclear type 8. Also called: Mitochondrial complex 1 deficiency, nuclear type 8. Identifiers: MedGen C4748766, MONDO:0032613, OMIM 618230.

Allele frequency attached by ClinVar (database versions not stated): gnomAD 0.00001; TOPMed 0.00002; ExAC 0.00004.

Submissions (3):

3billion
Classification: Uncertain significance for Mitochondrial complex I deficiency, nuclear type 8. Last evaluated: 2025-02-12. Review status: criteria provided, single submitter. Criteria: ACMG Guidelines, 2015. Collection method: clinical testing. Allele origin: germline. Affected: yes.
Comment: The variant is observed at an extremely low frequency in the gnomAD v4.1.0 dataset (total allele frequency: 0.005%). Predicted Consequence/Location: Missense variant In silico tool predictions suggest damaging effect of the variant on gene or gene product [REVEL: 0.90 (>=0.6, sensitivity 0.68 and specificity 0.92); 3Cnet: 0.99 (>=0.6, sensitivity 0.72 and precision 0.9)]. A different missense change at the same codon (p.Arg199Trp) has been reported as pathogenic/likely pathogenic with strong evidence (ClinVar ID: VCV000006020 /PMID: 14729820). Therefore, this variant is classified as VUS according to the recommendation of ACMG/AMP guideline.

Labcorp Genetics (formerly Invitae), Labcorp
Classification: Uncertain significance. Last evaluated: 2024-10-29. Review status: criteria provided, single submitter. Criteria: Invitae Variant Classification Sherloc (09022015). Collection method: clinical testing. Allele origin: germline.
Comment: This sequence change replaces arginine, which is basic and polar, with glutamine, which is neutral and polar, at codon 199 of the NDUFS3 protein (p.Arg199Gln). This variant is present in population databases (rs771783839, gnomAD 0.02%). This variant has not been reported in the literature in individuals affected with NDUFS3-related conditions. ClinVar contains an entry for this variant (Variation ID: 523006). Invitae Evidence Modeling of protein sequence and biophysical properties (such as structural, functional, and spatial information, amino acid conservation, physicochemical variation, residue mobility, and thermodynamic stability) indicates that this missense variant is expected to disrupt NDUFS3 protein function with a positive predictive value of 80%. In summary, the available evidence is currently insufficient to determine the role of this variant in disease. Therefore, it has been classified as a Variant of Uncertain Significance.

Genomic Research Center, Shahid Beheshti University of Medical Sciences
Classification: Uncertain significance for Mitochondrial complex I deficiency. Last evaluated: 2020-05-03. Review status: criteria provided, single submitter. Criteria: ACMG Guidelines, 2015. Collection method: clinical testing. Allele origin: unknown. Affected: yes.

Literature cited by the submitters: PubMed 31589614 (cited by 3billion); PubMed 14729820 (cited by 3billion).